The following is an entry in ClinVar:

ClinVar aggregate classification (germline): Likely pathogenic. Review status: criteria provided, multiple submitters, no conflicts (2 of 4 stars). 4 submissions from 4 submitters: Likely pathogenic (3). 1 of the submissions does not count toward it. Last evaluated 2026-07-20.

Conditions:
Cardiovascular phenotype. Identifiers: MedGen CN230736.
Charcot-Marie-Tooth disease type 2. Also called: Charcot-Marie-Tooth type 2. Identifiers: Orphanet 64746, MedGen C0270914, MONDO:0018993.
Cardiomyopathy (CMYO). Also called: Cardiomyopathies. Identifiers: Orphanet 167848, MedGen C0878544, MONDO:0004994, HP:0001638. Inheritance: Various modes of inheritance.

Submissions (4):

GeneDx
Classification: Likely pathogenic. Last evaluated: 2026-07-20. Review status: criteria provided, single submitter. Criteria: GeneDx Variant Classification Process June 2021. Collection method: clinical testing. Allele origin: germline.
Comment: Not observed at significant frequency in large population cohorts (gnomAD); In silico analysis supports that this missense variant has a deleterious effect on protein structure/function; This variant is associated with the following publications: (PMID: 31402444, 22199124, 10939567)

Women's Health and Genetics/Laboratory Corporation of America, LabCorp
Classification: Likely pathogenic for Cardiomyopathy. Last evaluated: 2026-03-18. Review status: criteria provided, single submitter. Criteria: LabCorp Variant Classification Summary - May 2015. Collection method: clinical testing. Allele origin: germline.
Comment: Variant summary: LMNA c.214C>T (p.Arg72Cys) results in a non-conservative amino acid change in the encoded protein sequence. Algorithms developed to predict the effect of missense changes on protein structure and function all suggest that this variant is likely to be disruptive. The variant was absent in 1608458 control chromosomes. The available data on variant occurrences in the general population are insufficient to allow any conclusion about variant significance. c.214C>T has been observed in the presumed heterozygous state in at least 1 individual(s) affected with cardiac conduction disorder (Ochoa_2024), as well as in others with cardiomyopathy and related condition cohorts (Cabrera-Borrego_2024, Escobar-Lopez_2021, Quarta_2012, Mora-Ayestarn_2025, Lin_2020, Zhuo_2025), however these latter probands lacked strong evidence for causality. In at least 1 family, this variant segregated with clinical features of dilated cardiomyopathy (internal data). These data do not allow any conclusion about variant significance. To our knowledge, no experimental evidence demonstrating an impact on protein function has been reported. A different variant affecting the same codon has been classified as likely pathogenic/pathogenic (c.215G>T, p.Arg72Leu), supporting the critical relevance of codon 72 to LMNA protein function. The following publications have been ascertained in the context of this evaluation (PMID: 40878535, 28663758, 32413188, 39001760, 29693488, 36899919, 31402444, 39611258, 34674813, 39923945, 32466575, 10939567). ClinVar contains an entry for this variant (Variation ID: 654200). Based on the evidence outlined above, the variant was classified as likely pathogenic.

Labcorp Genetics (formerly Invitae), Labcorp
Classification: Likely pathogenic for Charcot-Marie-Tooth disease type 2. Last evaluated: 2026-01-06. Review status: criteria provided, single submitter. Criteria: Invitae Variant Classification Sherloc (09022015). Collection method: clinical testing. Allele origin: germline.
Comment: This sequence change replaces arginine, which is basic and polar, with cysteine, which is neutral and slightly polar, at codon 72 of the LMNA protein (p.Arg72Cys). This variant is not present in population databases (gnomAD no frequency). This missense change has been observed in individual(s) with right ventricular dilatation and systolic dysfunction (PMID: 22199124). ClinVar contains an entry for this variant (Variation ID: 654200). Invitae Evidence Modeling of protein sequence and biophysical properties (such as structural, functional, and spatial information, amino acid conservation, physicochemical variation, residue mobility, and thermodynamic stability) indicates that this missense variant is expected to disrupt LMNA protein function with a positive predictive value of 95%. This variant disrupts the p.Arg72 amino acid residue in LMNA. Other variant(s) that disrupt this residue have been determined to be pathogenic (PMID: 27506821). This suggests that this residue is clinically significant, and that variants that disrupt this residue are likely to be disease-causing. In summary, the currently available evidence indicates that the variant is pathogenic, but additional data are needed to prove that conclusively. Therefore, this variant has been classified as Likely Pathogenic.

Ambry Genetics
Classification: Uncertain significance for Cardiovascular phenotype. Last evaluated: 2025-11-04. Review status: flagged submission. Criteria: Ambry Variant Classification Scheme 2023. Collection method: clinical testing. Allele origin: germline. Not counted in ClinVar's aggregate classification.
Comment: The p.R72C variant (also known as c.214C>T), located in coding exon 1 of the LMNA gene, results from a C to T substitution at nucleotide position 214. The arginine at codon 72 is replaced by cysteine, an amino acid with highly dissimilar properties. This variant was reported in individual(s) with features consistent with LMNA-related laminopathy (Quarta G et al. Eur Heart J, 2012 May;33:1128-36; Bernasconi P et al. Nucleus, 2018 Jan;9:292-304; Ambry internal data). This amino acid position is highly conserved in available vertebrate species. In addition, this alteration is predicted to be deleterious by in silico analysis. Based on the available evidence, the clinical significance of this variant remains unclear.
ClinVar note: Reason: Outlier claim with insufficient supporting evidence

Literature cited by the submitters: PubMed 22199124 (cited by 3 submitters); PubMed 28663758 (cited by Women's Health and Genetics/Laboratory Corporation of America, LabCorp); PubMed 31402444 (cited by Women's Health and Genetics/Laboratory Corporation of America, LabCorp); PubMed 29693488 (cited by Women's Health and Genetics/Laboratory Corporation of America, LabCorp and Ambry Genetics); PubMed 32413188 (cited by Women's Health and Genetics/Laboratory Corporation of America, LabCorp); PubMed 39001760 (cited by Women's Health and Genetics/Laboratory Corporation of America, LabCorp); PubMed 34674813 (cited by Women's Health and Genetics/Laboratory Corporation of America, LabCorp); PubMed 40878535 (cited by Women's Health and Genetics/Laboratory Corporation of America, LabCorp); PubMed 36899919 (cited by Women's Health and Genetics/Laboratory Corporation of America, LabCorp); PubMed 32466575 (cited by Women's Health and Genetics/Laboratory Corporation of America, LabCorp); PubMed 10939567 (cited by Women's Health and Genetics/Laboratory Corporation of America, LabCorp); PubMed 39611258 (cited by Women's Health and Genetics/Laboratory Corporation of America, LabCorp); PubMed 39923945 (cited by Women's Health and Genetics/Laboratory Corporation of America, LabCorp); PubMed 27506821 (cited by Labcorp Genetics (formerly Invitae), Labcorp).

NM_170707.4(LMNA):c.214C>T (p.Arg72Cys)

Gene: LMNA (lamin A/C; plus strand). Cytogenetic location: 1q22.
Variant type: single nucleotide variant.
Coding change: c.214C>T on transcript NM_170707.4 (MANE Select); coding-DNA position 214, C replaced by T.
Protein change: p.Arg72Cys; replaces arginine 72 with cysteine.
Molecular consequence: missense variant.
Genome position (GRCh38, 1-based): chr1:156,115,132, C>T. VCF-style: chr1-156115132-C-T. GRCh37 (hg19) VCF-style: chr1-156084923-C-T.
Other names: c.214C>T (NM_170707.2); c.214C>T, p.Arg72Cys (NM_001282625.2, NM_001282626.2, NM_005572.4 and 1 more transcripts); short protein forms R72C.
Identifiers: ClinVar variation 654200 (VCV000654200.10), dbSNP rs17847247, ClinGen allele CA342808277.